The following is an entry in ClinVar:

ClinVar aggregate classification (germline): Pathogenic/Likely pathogenic. Review status: criteria provided, multiple submitters, no conflicts (2 of 4 stars). 9 submissions from 9 submitters: Pathogenic (3); Likely pathogenic (6). Last evaluated 2025-12-08.

Conditions:
Hereditary cancer-predisposing syndrome. Also called: Tumor predisposition; Hereditary Cancer Syndrome; Hereditary neoplastic syndrome; Neoplastic Syndromes, Hereditary. Identifiers: Orphanet 140162, MedGen C0027672, MeSH D009386, MONDO:0015356.
Melanoma and neural system tumor syndrome. Also called: MELANOMA-ASTROCYTOMA SYNDROME. Identifiers: Orphanet 252206, MedGen C1835042, MONDO:0007967, OMIM 155755.
Melanoma-pancreatic cancer syndrome. Identifiers: Orphanet 404560, MedGen C1838547, MONDO:0011713, OMIM 606719. Disease mechanism: loss of function.
Familial melanoma. Also called: Hereditary melanoma; Hereditary cutaneous melanoma. Identifiers: Orphanet 618, MedGen C1512419, MONDO:0018961.
CDKN2A-related disorder. Also called: CDKN2A-related condition.

gnomAD v4.1: 2 of 1,613,956 alleles (0.00012%); highest among the groups gnomAD compares: Non-Finnish European, 0.000085%; no homozygotes.

Submissions (9):

Women's Health and Genetics/Laboratory Corporation of America, LabCorp
Classification: Pathogenic for Familial melanoma. Last evaluated: 2025-12-08. Review status: criteria provided, single submitter. Criteria: LabCorp Variant Classification Summary - May 2015. Collection method: clinical testing. Allele origin: germline.
Comment: Variant summary: CDKN2A c.146T>G (p.Ile49Ser) results in a non-conservative amino acid change located in the ANK repeat 2 of the encoded protein sequence. Algorithms developed to predict the effect of missense changes on protein structure and function are either unavailable or do not agree on the potential impact of this missense change. The variant was absent in 249454 control chromosomes (gnomAD). c.146T>G has been observed in individuals affected with Cutaneous Malignant Melanoma (e.g. Holland_1999, Lala_2000, Maubec_2012, Hubert_2021). These data indicate that the variant is likely to be associated with disease. A different variant affecting the same codon has been classified as likely pathogenic by our lab (c.146T>C, p.Ile49Thr), supporting the critical relevance of codon 49 to CDKN2A protein function. At least one publication reports experimental evidence evaluating an impact on protein function. The most pronounced variant effect results in 10%-<30% of normal activity (Lal_2000). The following publications have been ascertained in the context of this evaluation (PMID: 20340136, 27756164, 27960642, 28765326, 9166859, 16818274, 18519632, 7718873, 10719365, 10398427, 22841127, 34067022). ClinVar contains an entry for this variant (Variation ID: 430217). Based on the evidence outlined above, the variant was classified as pathogenic.

Ambry Genetics
Classification: Pathogenic for Hereditary cancer-predisposing syndrome. Last evaluated: 2025-01-07. Review status: criteria provided, single submitter. Criteria: Ambry Variant Classification Scheme 2023. Collection method: clinical testing. Allele origin: germline.
Comment: The p.I49S pathogenic mutation (also known as c.146T>G), located in coding exon 1 of the CDKN2A gene, results from a T to G substitution at nucleotide position 146. The isoleucine at codon 49 is replaced by serine, an amino acid with dissimilar properties. This alteration has been identified in numerous familial melanoma cohorts, as well as in an individual with both melanoma and pancreatic cancer (Ambry internal data; Holland EA et al. Genes Chromosomes Cancer. 1999 Aug;25:339-48; Lal G et al. Genes Chromosomes Cancer. 2000 Apr;27:358-61; Begg CB et al. J. Natl. Cancer Inst. 2005 Oct;97:1507-15; Goldstein AM et al. J. Med. Genet. 2007 Feb;44:99-106; Miller PJ et al. Hum. Mutat. 2011 Aug;32:900-11; Maubec E et al. J. Am. Acad. Dermatol. 2012 Dec;67:1257-64). In addition, this alteration demonstrated defective CDK4 and CDK6 binding as well as increased rates of proliferation and abnormal subcelluar staining patterns (Lal G et al. Genes Chromosomes Cancer. 2000 Apr;27:358-61; McKenzie HA et al. Hum. Mutat. 2010 Jun;31:692-701). This amino acid position is well conserved in available vertebrate species. In addition, this alteration is predicted to be deleterious by in silico analysis. This variant is considered to be rare based on population cohorts in the Genome Aggregation Database (gnomAD). Based on the supporting evidence, this variant is interpreted as a disease-causing mutation.

Blueprint Genetics
Classification: Likely pathogenic for CDKN2A-related disorders. Last evaluated: 2024-07-31. Review status: criteria provided, single submitter. Criteria: ACMG Guidelines, 2015. Collection method: clinical testing. Allele origin: germline. Affected: yes. Observed: 1 variant allele.

Myriad Genetics, Inc.
Classification: Likely pathogenic for Melanoma-pancreatic cancer syndrome. Last evaluated: 2024-04-16. Review status: criteria provided, single submitter. Criteria: Myriad Autosomal Dominant, Autosomal Recessive and X-Linked Classification Criteria (2023). Collection method: clinical testing. Allele origin: unknown.
Comment: This variant is considered likely pathogenic. Functional studies indicate this variant impacts protein function [PMID: 20340136, 10719365]. This variant is expected to disrupt protein structure [Myriad internal data]. This variant has been reported in multiple individuals with clinical features of gene-specific disease [PMID: 21462282, 10667595, 10398427, 22841127].

Color Diagnostics, LLC DBA Color Health
Classification: Likely pathogenic for Hereditary cancer-predisposing syndrome. Last evaluated: 2024-01-08. Review status: criteria provided, single submitter. Criteria: ACMG Guidelines, 2015. Collection method: clinical testing. Allele origin: germline.
Comment: The CDKN2A locus encodes two different gene products, p16INK4a and p14ARF. This missense variant replaces isoleucine with serine at codon 49 of the CDKN2A (p16INK4A) protein. Computational prediction suggests that this variant may have deleterious impact on protein structure and function. Functional studies have shown that this variant causes a partial loss of protein function, as shown by subcellular mislocalization and decreased binding to CDK4 and CDK6 (PMID: 10719365, 20340136). This variant has been reported in five individuals affected with familial melanoma (PMID: 10398427, 12072543, 17218939, 22841127, 28830827) and in an individual affected with both melanoma and pancreatic cancer. (PMID: 10719365). In one family, this variant was observed in three siblings affected with melanoma (PMID: 10398427). This variant has also been reported in an individual with liposarcoma with a history of osteosarcoma in a first-degree relative (PMID: 28592523). This variant has not been identified in the general population by the Genome Aggregation Database (gnomAD). Based on the available evidence, this variant is classified as Likely Pathogenic.

Baylor Genetics
Classification: Likely pathogenic for Melanoma and neural system tumor syndrome. Last evaluated: 2023-12-28. Review status: criteria provided, single submitter. Criteria: ACMG Guidelines, 2015. Collection method: clinical testing. Allele origin: unknown.

Labcorp Genetics (formerly Invitae), Labcorp
Classification: Likely pathogenic for Familial melanoma. Last evaluated: 2021-11-19. Review status: criteria provided, single submitter. Criteria: Invitae Variant Classification Sherloc (09022015). Collection method: clinical testing. Allele origin: germline.
Comment: In summary, the currently available evidence indicates that the variant is pathogenic, but additional data are needed to prove that conclusively. Therefore, this variant has been classified as Likely Pathogenic. Experimental studies have shown that this missense change affects CDKN2A (p16INK4a) function (PMID: 10719365, 20340136). Algorithms developed to predict the effect of missense changes on protein structure and function are either unavailable or do not agree on the potential impact of this missense change (SIFT: "Deleterious"; PolyPhen-2: "Probably Damaging"; Align-GVGD: "Class C0"). This sequence change replaces isoleucine, which is neutral and non-polar, with serine, which is neutral and polar, at codon 49 of the CDKN2A (p16INK4a) protein (p.Ile49Ser). This variant is not present in population databases (gnomAD no frequency). This missense change has been observed in individual(s) with pancreatic adenocarcinoma and/or melanoma (PMID: 10398427, 10719365, 22841127, 28830827). It has also been observed to segregate with disease in related individuals. ClinVar contains an entry for this variant (Variation ID: 430217).

Genetics and Molecular Pathology, SA Pathology
Classification: Pathogenic for Melanoma-pancreatic cancer syndrome. Last evaluated: 2020-09-16. Review status: criteria provided, single submitter. Criteria: ACMG Guidelines, 2015. Collection method: clinical testing. Allele origin: germline. Inheritance: Autosomal dominant inheritance. Affected: yes.

GeneDx
Classification: Likely pathogenic. Last evaluated: 2016-01-07. Review status: criteria provided, single submitter. Criteria: GeneDx Variant Classification (06012015). Collection method: clinical testing. Allele origin: germline. Affected: yes.
Comment: The I49S variant has been published previously in association with melanoma (Holland et al., 1999; Begg et al., 2005; Goldstein et al., 2007; Lag et al, 2000). It was not observed in approximately 6,500 individuals of European and African American ancestry in the NHLBI Exome Sequencing Project, indicating it is not a common benign variant in these populations. I49S is a non-conservative amino acid substitution, which is likely to impact secondary protein structure as these residues differ in polarity, charge, size and/or other properties. This substitution occurs at a position located within the ANK2 domain where amino acids with similar properties to isoleucine are tolerated across species. In silico analysis predicts this variant is probably damaging to the protein structure/function. Missense variants in nearby residues (P48L, Q50R, V51F, M53V/T/I, M54I) have been reported in the Human Gene Mutation Database in association with melanoma (Stenson et al., 2014), supporting the functional importance of this region of the protein. Functional studies of the I49S variant have demonstrated that it results in reduced binding activity, altered localization, and increased proliferation in comparison to the wild type (Lal et al., 2000; McKenzie et al., 2010). Therefore, this variant is likely pathogenic; however, the possibility that it is benign cannot be excluded.

Literature cited by the submitters: PubMed 20340136 (cited by 5 submitters); PubMed 27756164 (cited by Women's Health and Genetics/Laboratory Corporation of America, LabCorp); PubMed 27960642 (cited by Women's Health and Genetics/Laboratory Corporation of America, LabCorp); PubMed 28765326 (cited by Women's Health and Genetics/Laboratory Corporation of America, LabCorp); PubMed 9166859 (cited by Women's Health and Genetics/Laboratory Corporation of America, LabCorp); PubMed 16818274 (cited by Women's Health and Genetics/Laboratory Corporation of America, LabCorp); PubMed 18519632 (cited by Women's Health and Genetics/Laboratory Corporation of America, LabCorp); PubMed 7718873 (cited by Women's Health and Genetics/Laboratory Corporation of America, LabCorp); PubMed 10398427 (cited by 5 submitters); PubMed 34067022 (cited by Women's Health and Genetics/Laboratory Corporation of America, LabCorp); PubMed 10719365 (cited by 5 submitters); PubMed 22841127 (cited by 5 submitters); PubMed 16234564 (cited by Ambry Genetics); PubMed 16905682 (cited by Ambry Genetics); PubMed 21462282 (cited by Ambry Genetics and Myriad Genetics, Inc.); PubMed 28592523 (cited by Ambry Genetics and Color Diagnostics, LLC DBA Color Health); PubMed 28830827 (cited by 3 submitters); PubMed 10667595 (cited by Myriad Genetics, Inc.); PubMed 12072543 (cited by Color Diagnostics, LLC DBA Color Health); PubMed 17218939 (cited by Color Diagnostics, LLC DBA Color Health).

NM_000077.5(CDKN2A):c.146T>G (p.Ile49Ser)

Gene: CDKN2A (cyclin dependent kinase inhibitor 2A; minus strand). Cytogenetic location: 9p21.3.
Variant type: single nucleotide variant.
Coding change: c.146T>G on transcript NM_000077.5; coding-DNA position 146, T replaced by G.
Protein change: p.Ile49Ser; replaces isoleucine 49 with serine.
Molecular consequence: missense variant (on NM_000077.6). On other transcripts: intron variant (2).
Genome position (GRCh38, 1-based): chr9:21,974,682, A>C on the plus strand (T>G on the coding strand, the complement: CDKN2A is on the minus strand). VCF-style: chr9-21974682-A-C. GRCh37 (hg19) VCF-style: chr9-21974681-A-C.
Other names: c.146T>G, p.Ile49Ser (NM_000077.6, NM_001195132.2, NM_058197.5); c.-3-3474T>G (NM_001363763.2); c.194-3474T>G (NM_058195.4); short protein forms I49S.
Identifiers: ClinVar variation 430217 (VCV000430217.20), dbSNP rs199907548, ClinGen allele CA373086481.